The following is an entry in ClinVar:

ClinVar aggregate classification (germline): Uncertain significance (1 of 4 stars; one submission).

Conditions:
Zellweger spectrum disorders (ZS). Also called: Zellweger Spectrum Disorder (ZSD); Zellweger syndrome; Zellweger Spectrum Disorder; Zellweger Spectrum. Identifiers: Orphanet 912, MedGen C0043459, MONDO:0019609.

Submission:

Labcorp Genetics (formerly Invitae), Labcorp
Classification: Uncertain significance for Zellweger spectrum disorders. Last evaluated: 2022-09-01. Review status: criteria provided, single submitter. Criteria: Invitae Variant Classification Sherloc (09022015). Collection method: clinical testing. Allele origin: germline.
Comment: This sequence change replaces serine, which is neutral and polar, with tyrosine, which is neutral and polar, at codon 585 of the PEX1 protein (p.Ser585Tyr). This variant is not present in population databases (gnomAD no frequency). This variant has not been reported in the literature in individuals affected with PEX1-related conditions. ClinVar contains an entry for this variant (Variation ID: 835862). Advanced modeling of protein sequence and biophysical properties (such as structural, functional, and spatial information, amino acid conservation, physicochemical variation, residue mobility, and thermodynamic stability) performed at Invitae indicates that this missense variant is not expected to disrupt PEX1 protein function. In summary, the available evidence is currently insufficient to determine the role of this variant in disease. Therefore, it has been classified as a Variant of Uncertain Significance.

NM_000466.3(PEX1):c.1754C>A (p.Ser585Tyr)

Gene: PEX1 (peroxisomal biogenesis factor 1; minus strand). Cytogenetic location: 7q21.2.
Variant type: single nucleotide variant.
Coding change: c.1754C>A on transcript NM_000466.3 (MANE Select); coding-DNA position 1754, C replaced by A.
Protein change: p.Ser585Tyr; replaces serine 585 with tyrosine.
Molecular consequence: missense variant.
Genome position (GRCh38, 1-based): chr7:92,507,043, G>T on the plus strand (C>A on the coding strand, the complement: PEX1 is on the minus strand). VCF-style: chr7-92507043-G-T. GRCh37 (hg19) VCF-style: chr7-92136357-G-T.
Other names: c.1754C>A, p.Ser585Tyr (NM_001282677.2); c.1130C>A, p.Ser377Tyr (NM_001282678.2); short protein forms S377Y, S585Y.
Identifiers: ClinVar variation 835862 (VCV000835862.9), dbSNP rs1792225580, ClinGen allele CA368187385.